The following is an entry in ClinVar:

NM_000295.5(SERPINA1):c.706dup (p.Gln236fs)

Gene: SERPINA1 (serpin family A member 1; minus strand). Cytogenetic location: 14q32.13.
Variant type: Duplication.
Coding change: c.706dup on transcript NM_000295.5 (MANE Select); coding-DNA position 706, one base duplicated (C; older notation c.706dupC).
Protein change: p.Gln236fs; shifts the reading frame from glutamine 236.
Molecular consequence: frameshift variant.
Genome position (GRCh38, 1-based): chr14:94,381,082, G duplicated on the plus strand (C on the coding strand, the reverse complement: SERPINA1 is on the minus strand); the first of 2 consecutive G bases (chr14:94,381,082-94,381,083); duplicating either gives the same sequence. VCF-style (leftmost placement, unchanged base first): chr14-94381081-T-TG. GRCh37 (hg19) VCF-style: chr14-94847418-T-TG.
Other names: c.706dup, p.Gln236fs (NM_001002235.3, NM_001002236.3, NM_001127700.2 and 7 more transcripts); short protein forms Q236fs.
Identifiers: ClinVar variation 5012270 (VCV005012270.1).
Genomic context (GRCh38, chr14:94,381,081, plus strand): 5'-CAGTGCTGGATGTTAAACATGCCTAAACGCTTCATCATAGGCACCTTCACGGTGGTCACC[T>TG]GGTCCACGTGGAAGTCCTCTTCCTCGGTGTCCTTGACTTCAAAGGGTCTCTCCCATTTGC-3'

ClinVar aggregate classification (germline): Pathogenic (1 of 4 stars; one submission).

Conditions:
Alpha-1-antitrypsin deficiency (A1ATD). Also called: AAT deficiency; A1AT deficiency; Alpha1-Antitrypsin Deficiency. Identifiers: Orphanet 60, MedGen C0221757, MONDO:0013282, OMIM 613490.

Submission:

Myriad Genetics, Inc.
Classification: Pathogenic for Alpha-1-antitrypsin deficiency. Last evaluated: 2023-09-27. Review status: criteria provided, single submitter. Criteria: Myriad Autosomal Dominant, Autosomal Recessive and X-Linked Classification Criteria (2023). Collection method: clinical testing. Allele origin: unknown.
Comment: NM_000295.4(SERPINA1):c.706dupC(Q236Pfs*17) is expected to be pathogenic in the context of alpha-1 antitrypsin deficiency. This variant is predicted to lead to an abnormal or absent protein product due to the creation of a premature termination codon in SERPINA1, a gene where loss-of-function variants are known to be pathogenic. Please note: this variant was assessed in the context of healthy population screening.